The following is an entry in ClinVar:

ClinVar aggregate classification (germline): Uncertain significance. Review status: criteria provided, multiple submitters, no conflicts (2 of 4 stars). 3 submissions from 3 submitters: Uncertain significance (3). Last evaluated 2024-12-02.

Conditions:
Duchenne muscular dystrophy (DMD). Also called: Duchenne Muscular Dystrophy (DMD); MUSCULAR DYSTROPHY, PSEUDOHYPERTROPHIC PROGRESSIVE, DUCHENNE TYPE. Identifiers: Orphanet 98896, MedGen C0013264, MONDO:0010679, OMIM 310200.

Submissions (3):

Labcorp Genetics (formerly Invitae), Labcorp
Classification: Uncertain significance for Duchenne muscular dystrophy. Last evaluated: 2024-12-02. Review status: criteria provided, single submitter. Criteria: Invitae Variant Classification Sherloc (09022015). Collection method: clinical testing. Allele origin: germline.
Comment: This variant, c.2492_2494del, results in the deletion of 1 amino acid(s) of the DMD protein (p.Asn831del), but otherwise preserves the integrity of the reading frame. This variant is present in population databases (rs771166460, gnomAD 0.008%). This variant has not been reported in the literature in individuals affected with DMD-related conditions. Experimental studies and prediction algorithms are not available or were not evaluated, and the functional significance of this variant is currently unknown. In summary, the available evidence is currently insufficient to determine the role of this variant in disease. Therefore, it has been classified as a Variant of Uncertain Significance.

GeneDx
Classification: Uncertain significance. Last evaluated: 2024-10-02. Review status: criteria provided, single submitter. Criteria: GeneDx Variant Classification Process June 2021. Collection method: clinical testing. Allele origin: germline. Affected: yes.
Comment: Has not been previously published as pathogenic or benign to our knowledge; Not observed at significant frequency in large population cohorts (gnomAD); In-frame deletion of one amino acid in a non-repeat region; In silico analysis supports a deleterious effect on protein structure/function; This variant is associated with the following publications: (PMID: 30564623)

Eurofins Ntd Llc (ga)
Classification: Uncertain significance. Last evaluated: 2016-07-25. Review status: criteria provided, single submitter. Criteria: EGL Classification Definitions 2015. Collection method: clinical testing. Allele origin: germline. Observed: 1 variant allele, 1 hemizygote.

NM_004006.3(DMD):c.2489ACA[1] (p.Asn831del)

Gene: DMD (dystrophin; minus strand). Cytogenetic location: Xp21.1.
Variant type: Microsatellite.
Coding change: c.2489ACA[1] on transcript NM_004006.3 (MANE Select); one copy of the 3-base unit ACA starting at c.2489; the reference has two copies in a row; one copy, 3 bases deleted; also written c.2492_2494del.
Protein change: p.Asn831del; deletes asparagine 831.
Molecular consequence: inframe deletion.
Genome position (GRCh38, 1-based): chrX:32,491,405-32,491,407, TGT deleted on the plus strand (ACA on the coding strand, the reverse complement: DMD is on the minus strand); deleting any 3 consecutive bases within chrX:32,491,405-32,491,411 gives the same sequence; the position shown is the placement nearest the transcript's 3' end. VCF-style (leftmost placement, unchanged base first): chrX-32491404-ATGT-A. GRCh37 (hg19) VCF-style: chrX-32509521-ATGT-A.
Other names: c.2465ACA[1], p.Asn823del (NM_000109.4); c.2477ACA[1], p.Asn827del (NM_004009.3); c.2120ACA[1], p.Asn708del (NM_004010.3); c.2492_2494del (NM_004006.2); short protein forms N831del, N708del, N823del, N827del.
Identifiers: ClinVar variation 289569 (VCV000289569.6), dbSNP rs771166460, ClinGen allele CA10379510.